The following is an entry in ClinVar:

NM_001927.4(DES):c.998G>T (p.Cys333Phe)

Gene: DES (desmin; plus strand). Cytogenetic location: 2q35.
Variant type: single nucleotide variant.
Coding change: c.998G>T on transcript NM_001927.4 (MANE Select); coding-DNA position 998, G replaced by T.
Protein change: p.Cys333Phe; replaces cysteine 333 with phenylalanine.
Molecular consequence: missense variant. On other transcripts: intron variant (1).
Genome position (GRCh38, 1-based): chr2:219,420,928, G>T. VCF-style: chr2-219420928-G-T. GRCh37 (hg19) VCF-style: chr2-220285650-G-T.
Other names: c.995G>T, p.Cys332Phe (NM_001382708.1); c.998G>T, p.Cys333Phe (NM_001382710.1, NM_001382711.1, NM_001382712.1); c.728G>T, p.Cys243Phe (NM_001382713.1); c.736-556G>T (NM_001382709.1); short protein forms C332F, C243F, C333F.
Identifiers: ClinVar variation 2565370 (VCV002565370.6), dbSNP rs1954428980, ClinGen allele CA350693168.

ClinVar aggregate classification (germline): Uncertain significance. Review status: criteria provided, multiple submitters, no conflicts (2 of 4 stars). 3 submissions from 3 submitters: Uncertain significance (3). Last evaluated 2026-04-16.

Conditions:
Desmin-related myofibrillar myopathy (MFM1). Also called: Myofibrillar myopathy 1; MYOFIBRILLAR MYOPATHY WITH ARRHYTHMOGENIC RIGHT VENTRICULAR CARDIOMYOPATHY; DESMIN-RELATED MYOPATHY WITH ARRHYTHMOGENIC RIGHT VENTRICULAR CARDIOMYOPATHY; Desminopathy; Desmin related myopathy (former name); Desmin storage myopathy (former name). Identifiers: Orphanet 363543, Orphanet 98909, MedGen C1832370, MONDO:0011076, OMIM 601419.
Cardiovascular phenotype. Identifiers: MedGen CN230736.

Allele frequency attached by ClinVar (database versions not stated): TOPMed below 0.00001.

Submissions (3):

GeneDx
Classification: Uncertain significance. Last evaluated: 2026-04-16. Review status: criteria provided, single submitter. Criteria: GeneDx Variant Classification Process June 2021. Collection method: clinical testing. Allele origin: germline.
Comment: Not observed at significant frequency in large population cohorts (gnomAD); In silico analysis supports that this missense variant has a deleterious effect on protein structure/function; Has not been previously published as pathogenic or benign to our knowledge; This variant is associated with the following publications: (PMID: 26807690)

Ambry Genetics
Classification: Uncertain significance for Cardiovascular phenotype. Last evaluated: 2025-12-16. Review status: criteria provided, single submitter. Criteria: Ambry Variant Classification Scheme 2023. Collection method: clinical testing. Allele origin: germline.
Comment: The p.C333F variant (also known as c.998G>T), located in coding exon 5 of the DES gene, results from a G to T substitution at nucleotide position 998. The cysteine at codon 333 is replaced by phenylalanine, an amino acid with highly dissimilar properties. This amino acid position is conserved. In addition, this alteration is predicted to be deleterious by in silico analysis. Since supporting evidence is limited at this time, the clinical significance of this alteration remains unclear.

Labcorp Genetics (formerly Invitae), Labcorp
Classification: Uncertain significance for Desmin-related myofibrillar myopathy. Last evaluated: 2025-05-15. Review status: criteria provided, single submitter. Criteria: Invitae Variant Classification Sherloc (09022015). Collection method: clinical testing. Allele origin: germline.
Comment: This sequence change replaces cysteine, which is neutral and slightly polar, with phenylalanine, which is neutral and non-polar, at codon 333 of the DES protein (p.Cys333Phe). This variant is not present in population databases (gnomAD no frequency). This variant has not been reported in the literature in individuals affected with DES-related conditions. ClinVar contains an entry for this variant (Variation ID: 2565370). Invitae Evidence Modeling of protein sequence and biophysical properties (such as structural, functional, and spatial information, amino acid conservation, physicochemical variation, residue mobility, and thermodynamic stability) indicates that this missense variant is expected to disrupt DES protein function with a positive predictive value of 95%. In summary, the available evidence is currently insufficient to determine the role of this variant in disease. Therefore, it has been classified as a Variant of Uncertain Significance.